The following is an entry in ClinVar:

ClinVar aggregate classification (germline): Uncertain significance (1 of 4 stars; one submission).

Conditions:
TTN-related disorder. Also called: TTN-related disorders; TTN-related condition; TTN-related disease.

gnomAD v4.1: 6 of 1,613,254 alleles (0.00037%); highest among the groups gnomAD compares: Non-Finnish European, 0.00051%; no homozygotes.

Submission:

PreventionGenetics, part of Exact Sciences
Classification: Uncertain significance for TTN-related condition. Last evaluated: 2026-01-21. Review status: criteria provided, single submitter. Criteria: ACMG Guidelines, 2015. Collection method: clinical testing. Allele origin: germline.
Comment: The TTN c.20149A>T variant is predicted to result in the amino acid substitution p.Thr6717Ser. To our knowledge, this variant has not been reported in the literature. This variant is reported in 0.0018% of alleles in individuals of European (Non-Finnish) descent in gnomAD. At this time, the clinical significance of this variant is uncertain due to the absence of conclusive functional and genetic evidence.

NM_001267550.2(TTN):c.20149A>T (p.Thr6717Ser)

Genes: TTN (titin; minus strand), LOC126806429 (BRD4-independent group 4 enhancer GRCh37_chr2:179591393-179592592; plus strand). Cytogenetic location: 2q31.2.
Variant type: single nucleotide variant.
Coding change: c.20149A>T on transcript NM_001267550.2 (MANE Select); coding-DNA position 20149, A replaced by T.
Protein change: p.Thr6717Ser; replaces threonine 6717 with serine.
Molecular consequence: missense variant. On other transcripts: intron variant (3).
Genome position (GRCh38, 1-based): chr2:178,727,216, T>A on the plus strand (A>T on the coding strand, the complement: TTN is on the minus strand). VCF-style: chr2-178727216-T-A. GRCh37 (hg19) VCF-style: chr2-179591943-T-A.
Other names: c.19198A>T, p.Thr6400Ser (NM_001256850.1); c.16417A>T, p.Thr5473Ser (NM_133378.4); c.13282+10866A>T (NM_003319.4); c.13858+10866A>T (NM_133437.4); c.13657+10866A>T (NM_133432.3); short protein forms T6400S, T5473S, T6717S.
Identifiers: ClinVar variation 4981720 (VCV004981720.1).